The following is an entry in ClinVar:

NM_001321120.2(TBX4):c.1409C>G (p.Ala470Gly)

Gene: TBX4 (T-box transcription factor 4; plus strand). Cytogenetic location: 17q23.2.
Variant type: single nucleotide variant.
Coding change: c.1409C>G on transcript NM_001321120.2 (MANE Select); coding-DNA position 1409, C replaced by G.
Protein change: p.Ala470Gly; replaces alanine 470 with glycine.
Molecular consequence: missense variant.
Genome position (GRCh38, 1-based): chr17:61,483,284, C>G. VCF-style: chr17-61483284-C-G. GRCh37 (hg19) VCF-style: chr17-59560645-C-G.
Other names: c.1406C>G, p.Ala469Gly (NM_018488.3); short protein forms A469G, A470G.
Identifiers: ClinVar variation 3324873 (VCV003324873.2).

ClinVar aggregate classification (germline): Uncertain significance. Review status: criteria provided, multiple submitters, no conflicts (2 of 4 stars). 2 submissions from 2 submitters: Uncertain significance (2). Last evaluated 2026-01-11.

Conditions:
Inborn genetic diseases. Identifiers: MedGen C0950123, MeSH D030342.

gnomAD v4.1: 24 of 1,613,962 alleles (0.0015%); highest among the groups gnomAD compares: African/African-American, 0.031%; no homozygotes.

Submissions (2):

Labcorp Genetics (formerly Invitae), Labcorp
Classification: Uncertain significance. Last evaluated: 2026-01-11. Review status: criteria provided, single submitter. Criteria: Invitae Variant Classification Sherloc (09022015). Collection method: clinical testing. Allele origin: germline.
Comment: This sequence change replaces alanine, which is neutral and non-polar, with glycine, which is neutral and non-polar, at codon 469 of the TBX4 protein (p.Ala469Gly). This variant is present in population databases (rs751441900, gnomAD 0.03%). This variant has not been reported in the literature in individuals affected with TBX4-related conditions. ClinVar contains an entry for this variant (Variation ID: 3324873). Invitae Evidence Modeling of protein sequence and biophysical properties (such as structural, functional, and spatial information, amino acid conservation, physicochemical variation, residue mobility, and thermodynamic stability) indicates that this missense variant is not expected to disrupt TBX4 protein function with a negative predictive value of 95%. In summary, the available evidence is currently insufficient to determine the role of this variant in disease. Therefore, it has been classified as a Variant of Uncertain Significance.

Ambry Genetics
Classification: Uncertain significance for Inborn genetic diseases. Last evaluated: 2024-04-04. Review status: criteria provided, single submitter. Criteria: Ambry Variant Classification Scheme 2023. Collection method: clinical testing. Allele origin: germline.